The following is an entry in ClinVar:

ClinVar aggregate classification (germline): Benign. Review status: criteria provided, multiple submitters, no conflicts (2 of 4 stars). 6 submissions from 6 submitters: Benign (6). Last evaluated 2026-02-04.

Conditions:
Klippel-Feil anomaly-myopathy-facial dysmorphism syndrome. Also called: Klippel-feil syndrome 4, autosomal recessive, with nemaline myopathy and facial dysmorphism; Klippel-Feil syndrome 4, autosomal recessive, with myopathy and facial dysmorphism. Identifiers: Orphanet 447974, MedGen C4225285, MONDO:0014689, OMIM 616549.

Allele frequency attached by ClinVar (database versions not stated): gnomAD exomes 0.48060 and 0.54911; ExAC 0.54332; ESP Exome Variant Server 0.57091; gnomAD 0.59120 and 0.59267; TOPMed 0.61895; 1000 Genomes Project 0.70168; 1000 Genomes Project 30x 0.70269.
gnomAD v4.1: 793,772 of 1,612,264 alleles (49%); highest among the groups gnomAD compares: African/African-American, 85%; 206,410 homozygotes.

Submissions (6):

Labcorp Genetics (formerly Invitae), Labcorp
Classification: Benign. Last evaluated: 2026-02-04. Review status: criteria provided, single submitter. Criteria: Invitae Variant Classification Sherloc (09022015). Collection method: clinical testing. Allele origin: germline.

Blueprint Genetics
Classification: Benign. Last evaluated: 2024-11-28. Review status: criteria provided, single submitter. Criteria: ACMG Guidelines, 2015. Collection method: clinical testing. Allele origin: germline.

Genome-Nilou Lab
Classification: Benign for Klippel-Feil anomaly-myopathy-facial dysmorphism syndrome. Last evaluated: 2021-09-05. Review status: criteria provided, single submitter. Criteria: ACMG Guidelines, 2015. Collection method: clinical testing. Allele origin: germline. Affected: no.

GeneDx
Classification: Benign. Last evaluated: 2018-11-12. Review status: criteria provided, single submitter. Criteria: GeneDx Variant Classification Process June 2021. Collection method: clinical testing. Allele origin: germline. Affected: yes.
Comment: This variant is associated with the following publications: (PMID: 17000706)

Mayo Clinic Laboratories, Mayo Clinic
Classification: Benign. Last evaluated: 2017-07-24. Review status: criteria provided, single submitter. Criteria: ACMG Guidelines, 2015. Collection method: clinical testing. Allele origin: germline. Observed: 134 variant alleles.

Breakthrough Genomics
Classification: Benign. Review status: criteria provided, single submitter. Criteria: ACMG Guidelines, 2015. Collection method: not provided. Allele origin: germline. Inheritance: Autosomal recessive inheritance. Affected: yes.

NM_032608.7(MYO18B):c.131G>A (p.Gly44Glu)

Gene: MYO18B (myosin XVIIIB; plus strand). Cytogenetic location: 22q12.1.
Variant type: single nucleotide variant.
Coding change: c.131G>A on transcript NM_032608.7 (MANE Select); coding-DNA position 131, G replaced by A.
Protein change: p.Gly44Glu; replaces glycine 44 with glutamic acid.
Molecular consequence: missense variant.
Genome position (GRCh38, 1-based): chr22:25,763,322, G>A. VCF-style: chr22-25763322-G-A. GRCh37 (hg19) VCF-style: chr22-26159289-G-A.
Other names: p.Gly44Glu; c.131G>A, p.Gly44Glu (NM_001318245.2); c.131G>A (NM_032608.6); short protein forms G44E.
Identifiers: ClinVar variation 1245085 (VCV001245085.15), dbSNP rs133885, ClinGen allele CA10159499.